The following is an entry in ClinVar:

ClinVar aggregate classification (germline): Uncertain significance (1 of 4 stars; one submission).

Allele frequency attached by ClinVar (database versions not stated): gnomAD exomes 0.00001.

Submission:

Labcorp Genetics (formerly Invitae), Labcorp
Classification: Uncertain significance. Last evaluated: 2022-04-23. Review status: criteria provided, single submitter. Criteria: Invitae Variant Classification Sherloc (09022015). Collection method: clinical testing. Allele origin: germline.
Comment: This sequence change replaces tyrosine, which is neutral and polar, with cysteine, which is neutral and slightly polar, at codon 194 of the FECH protein (p.Tyr194Cys). In summary, the available evidence is currently insufficient to determine the role of this variant in disease. Therefore, it has been classified as a Variant of Uncertain Significance. Algorithms developed to predict the effect of missense changes on protein structure and function are either unavailable or do not agree on the potential impact of this missense change (SIFT: "Deleterious"; PolyPhen-2: "Probably Damaging"; Align-GVGD: "Class C0"). This variant has not been reported in the literature in individuals affected with FECH-related conditions. This variant is not present in population databases (gnomAD no frequency).

NM_000140.5(FECH):c.581A>G (p.Tyr194Cys)

Gene: FECH (ferrochelatase; minus strand). Cytogenetic location: 18q21.31.
Variant type: single nucleotide variant.
Coding change: c.581A>G on transcript NM_000140.5 (MANE Select); coding-DNA position 581, A replaced by G.
Protein change: p.Tyr194Cys; replaces tyrosine 194 with cysteine.
Molecular consequence: missense variant.
Genome position (GRCh38, 1-based): chr18:57,566,464, T>C on the plus strand (A>G on the coding strand, the complement: FECH is on the minus strand). VCF-style: chr18-57566464-T-C. GRCh37 (hg19) VCF-style: chr18-55233696-T-C.
Other names: c.599A>G, p.Tyr200Cys (NM_001012515.4); c.581A>G, p.Tyr194Cys (NM_001371094.1, NM_001374778.1); c.365A>G, p.Tyr122Cys (NM_001371095.1); short protein forms Y122C, Y194C, Y200C.
Identifiers: ClinVar variation 1957442 (VCV001957442.5), dbSNP rs2511532623, ClinGen allele CA402536115.